The following is an entry in ClinVar:

ClinVar aggregate classification (germline): Uncertain significance (1 of 4 stars; one submission).

Submission:

Labcorp Genetics (formerly Invitae), Labcorp
Classification: Uncertain significance. Last evaluated: 2023-04-24. Review status: criteria provided, single submitter. Criteria: Invitae Variant Classification Sherloc (09022015). Collection method: clinical testing. Allele origin: germline.
Comment: In summary, the available evidence is currently insufficient to determine the role of this variant in disease. Therefore, it has been classified as a Variant of Uncertain Significance. Advanced modeling of protein sequence and biophysical properties (such as structural, functional, and spatial information, amino acid conservation, physicochemical variation, residue mobility, and thermodynamic stability) performed at Invitae indicates that this missense variant is not expected to disrupt UMOD protein function. This variant has not been reported in the literature in individuals affected with UMOD-related conditions. This variant is not present in population databases (gnomAD no frequency). This sequence change replaces glycine, which is neutral and non-polar, with aspartic acid, which is acidic and polar, at codon 103 of the UMOD protein (p.Gly103Asp).

NM_003361.4(UMOD):c.308G>A (p.Gly103Asp)

Gene: UMOD (uromodulin; minus strand). Cytogenetic location: 16p12.3.
Variant type: single nucleotide variant.
Coding change: c.308G>A on transcript NM_003361.4 (MANE Select); coding-DNA position 308, G replaced by A.
Protein change: p.Gly103Asp; replaces glycine 103 with aspartic acid.
Molecular consequence: missense variant. On other transcripts: non-coding transcript variant (1).
Genome position (GRCh38, 1-based): chr16:20,348,993, C>T on the plus strand (G>A on the coding strand, the complement: UMOD is on the minus strand). VCF-style: chr16-20348993-C-T. GRCh37 (hg19) VCF-style: chr16-20360315-C-T.
Other names: c.308G>A, p.Gly103Asp (NM_001008389.3, NM_001378232.1, NM_001378233.1 and 3 more transcripts); c.407G>A, p.Gly136Asp (NM_001278614.2); short protein forms G103D, G136D.
Identifiers: ClinVar variation 2858882 (VCV002858882.3), dbSNP rs1406937918, ClinGen allele CA394986655.
Genomic context (GRCh38, chr16:20,348,993, plus strand): 5'-AGGGCGTGGCAGTGGCTAAGCCCAGGCTCAGCGCACTCATCCACGTCTGTGCAGCCGAGA[C>T]CGGGCGACAGGCGGAAGCCTTCGGGGCAGACGCAGGAGAAGGAGCCTGGCGTGTTTACGC-3'
Protein context (NP_003352.2, residues 93-113): VCPEGFRLSP[Gly103Asp]LGCTDVDECA